The following is an entry in ClinVar:

NM_003620.4(PPM1D):c.1262C>G (p.Ser421Ter)

Gene: PPM1D (protein phosphatase, Mg2+/Mn2+ dependent 1D; plus strand). Cytogenetic location: 17q23.2.
Variant type: single nucleotide variant.
Coding change: c.1262C>G on transcript NM_003620.4 (MANE Select); coding-DNA position 1262, C replaced by G.
Protein change: p.Ser421Ter; replaces serine 421 with a stop codon.
Molecular consequence: nonsense.
Genome position (GRCh38, 1-based): chr17:60,662,996, C>G. VCF-style: chr17-60662996-C-G. GRCh37 (hg19) VCF-style: chr17-58740357-C-G.
Other names: short protein forms S421*.
Identifiers: ClinVar variation 985752 (VCV000985752.5), dbSNP rs2031551111, ClinGen allele CA400455901.

ClinVar aggregate classification (germline): Pathogenic/Likely pathogenic. Review status: criteria provided, multiple submitters, no conflicts (2 of 4 stars). 2 submissions from 2 submitters: Pathogenic (1); Likely pathogenic (1). Last evaluated 2025-12-31.

Conditions:
Inborn genetic diseases. Identifiers: MedGen C0950123, MeSH D030342.

gnomAD v4.1: 1 of 1,587,276 alleles (0.000063%); highest among the groups gnomAD compares: Non-Finnish European, 0.000086%; no homozygotes.

Submissions (2):

GeneDx
Classification: Pathogenic. Last evaluated: 2025-12-31. Review status: criteria provided, single submitter. Criteria: GeneDx Variant Classification Process June 2021. Collection method: clinical testing. Allele origin: germline.
Comment: Identified in an individual from a cohort with autism spectrum disorder, intellectual disability, and/or developmental delay (PMID: 28191889); Not observed at significant frequency in large population cohorts (gnomAD); Nonsense variant predicted to result in protein truncation, as the last 185 amino acid(s) are lost, and other loss-of-function variants have been reported downstream in HGMD; This variant is associated with the following publications: (PMID: 28191889, 38958063)

Ambry Genetics
Classification: Likely pathogenic for Inborn genetic diseases. Last evaluated: 2017-12-04. Review status: criteria provided, single submitter. Criteria: Ambry exome assertion method (8-5-2015). Collection method: clinical testing. Allele origin: germline. Affected: yes. Observed: 1 variant allele.